The following is an entry in ClinVar:

ClinVar aggregate classification (germline): Uncertain significance. Review status: criteria provided, multiple submitters, no conflicts (2 of 4 stars). 2 submissions from 2 submitters: Uncertain significance (2). Last evaluated 2023-09-21.

Conditions:
Hydrocephalus, nonsyndromic, autosomal recessive 2. Also called: Hydrocephalus, congenital, 2, with or without brain or eye anomalies. Identifiers: Orphanet 2185, MedGen C3554691, MONDO:0014085, OMIM 615219.

Allele frequency attached by ClinVar (database versions not stated): ExAC 0.00001; gnomAD 0.00002 and 0.00001; TOPMed 0.00002; gnomAD exomes 0.00001.
gnomAD v4.1: 15 of 1,602,782 alleles (0.00094%); highest among the groups gnomAD compares: African/African-American, 0.0027%; no homozygotes.

Submissions (2):

Revvity Omics, Revvity
Classification: Uncertain significance for Hydrocephalus, nonsyndromic, autosomal recessive 2. Last evaluated: 2023-09-21. Review status: criteria provided, single submitter. Criteria: ACMG Guidelines, 2015. Collection method: clinical testing. Allele origin: germline.

Labcorp Genetics (formerly Invitae), Labcorp
Classification: Uncertain significance. Last evaluated: 2021-03-24. Review status: criteria provided, single submitter. Criteria: Invitae Variant Classification Sherloc (09022015). Collection method: clinical testing. Allele origin: germline.
Comment: In summary, the available evidence is currently insufficient to determine the role of this variant in disease. Therefore, it has been classified as a Variant of Uncertain Significance. Algorithms developed to predict the effect of missense changes on protein structure and function (SIFT, PolyPhen-2, Align-GVGD) all suggest that this variant is likely to be disruptive, but these predictions have not been confirmed by published functional studies and their clinical significance is uncertain. This variant has been observed in individual(s) with retinal dystrophy (Invitae). This variant is present in population databases (rs772772818, ExAC 0.002%). This sequence change replaces glycine with arginine at codon 666 of the MPDZ protein (p.Gly666Arg). The glycine residue is highly conserved and there is a moderate physicochemical difference between glycine and arginine.

NM_001378778.1(MPDZ):c.1996G>A (p.Gly666Arg)

Gene: MPDZ (multiple PDZ domain crumbs cell polarity complex component; minus strand). Cytogenetic location: 9p23.
Variant type: single nucleotide variant.
Coding change: c.1996G>A on transcript NM_001378778.1 (MANE Select); coding-DNA position 1996, G replaced by A.
Protein change: p.Gly666Arg; replaces glycine 666 with arginine.
Molecular consequence: missense variant.
Genome position (GRCh38, 1-based): chr9:13,190,272, C>T on the plus strand (G>A on the coding strand, the complement: MPDZ is on the minus strand). VCF-style: chr9-13190272-C-T. GRCh37 (hg19) VCF-style: chr9-13190271-C-T.
Other names: c.1996G>A (NM_003829.4); c.1996G>A, p.Gly666Arg (NM_001261406.2, NM_001261407.2, NM_001330637.2 and 14 more transcripts); short protein forms G666R.
Identifiers: ClinVar variation 1352976 (VCV001352976.9), dbSNP rs772772818, ClinGen allele CA4987593.